The following is an entry in ClinVar:

NM_000135.4(FANCA):c.2284C>A (p.Leu762Ile)

Gene: FANCA (FA complementation group A; minus strand). Cytogenetic location: 16q24.3.
Variant type: single nucleotide variant.
Coding change: c.2284C>A on transcript NM_000135.4 (MANE Select); coding-DNA position 2284, C replaced by A.
Protein change: p.Leu762Ile; replaces leucine 762 with isoleucine.
Molecular consequence: missense variant.
Genome position (GRCh38, 1-based): chr16:89,770,198, G>T on the plus strand (C>A on the coding strand, the complement: FANCA is on the minus strand). VCF-style: chr16-89770198-G-T. GRCh37 (hg19) VCF-style: chr16-89836606-G-T.
Other names: c.2284C>A, p.Leu762Ile (NM_001286167.3); short protein forms L762I.
Identifiers: ClinVar variation 2585467 (VCV002585467.2), dbSNP rs1387374844, ClinGen allele CA397445145.

ClinVar aggregate classification (germline): Uncertain significance. Review status: criteria provided, multiple submitters, no conflicts (2 of 4 stars). 2 submissions from 2 submitters: Uncertain significance (2). Last evaluated 2025-04-16.

Conditions:
Inborn genetic diseases. Identifiers: MedGen C0950123, MeSH D030342.
Fanconi anemia complementation group A (FANCA). Also called: FANCA-Related Fanconi Anemia; Fanconi anemia, group A. Identifiers: Orphanet 84, MedGen C3469521, MONDO:0009215, OMIM 227650.

gnomAD v4.1: 2 of 1,594,008 alleles (0.00013%); highest among the groups gnomAD compares: South Asian, 0.0023%; no homozygotes.

Submissions (2):

Ambry Genetics
Classification: Uncertain significance for Inborn genetic diseases. Last evaluated: 2025-04-16. Review status: criteria provided, single submitter. Criteria: Ambry Variant Classification Scheme 2023. Collection method: clinical testing. Allele origin: germline.
Comment: The p.L762I variant (also known as c.2284C>A), located in coding exon 25 of the FANCA gene, results from a C to A substitution at nucleotide position 2284. The leucine at codon 762 is replaced by isoleucine, an amino acid with highly similar properties. This amino acid position is conserved. In addition, this alteration is predicted to be tolerated by in silico analysis. Based on the available evidence, the clinical significance of this variant remains unclear.

Neuberg Centre For Genomic Medicine, NCGM
Classification: Uncertain significance for Fanconi anemia complementation group A. Review status: criteria provided, single submitter. Criteria: ACMG Guidelines, 2015. Collection method: clinical testing. Allele origin: germline. Inheritance: Autosomal recessive inheritance. Affected: yes.
Comment: The missense variant in c.2284C>A(p.Leu762Ile) in FANCA gene has not been reported previously as a pathogenic variant nor as a benign variant, to our knowledge. This variant has not been reported to the ClinVar database. The p.Asn541Asp variant is novel (not in any individuals) in gnomAD Exomes and 1000 Genomes. The amino acid Leu at position 762 is changed to a Ile changing protein sequence and it might alter its composition and physico-chemical properties. For these reasons, this variant has been classified as Uncertain Significance (VUS).